The following is an entry in ClinVar:

NM_138638.5(CFL2):c.469G>A (p.Val157Ile)

Gene: CFL2 (cofilin 2; minus strand). Cytogenetic location: 14q13.1.
Variant type: single nucleotide variant.
Coding change: c.469G>A on transcript NM_138638.5 (MANE Select); coding-DNA position 469, G replaced by A.
Protein change: p.Val157Ile; replaces valine 157 with isoleucine.
Molecular consequence: missense variant. On other transcripts: non-coding transcript variant (2).
Genome position (GRCh38, 1-based): chr14:34,712,897, C>T on the plus strand (G>A on the coding strand, the complement: CFL2 is on the minus strand). VCF-style: chr14-34712897-C-T. GRCh37 (hg19) VCF-style: chr14-35182103-C-T.
Other names: c.418G>A, p.Val140Ile (NM_001243645.2); c.469G>A, p.Val157Ile (NM_021914.8); short protein forms V140I, V157I.
Identifiers: ClinVar variation 1713911 (VCV001713911.5), dbSNP rs2502577002, ClinGen allele CA389420870.

ClinVar aggregate classification (germline): Uncertain significance (1 of 4 stars; one submission).

Conditions:
Nemaline myopathy 7 (NEM7). Also called: Nemaline myopathy 7, autosomal recessive. Identifiers: Orphanet 171436, MedGen C1853154, MONDO:0012538, OMIM 610687.

Allele frequency attached by ClinVar (database versions not stated): gnomAD exomes below 0.00001.
gnomAD v4.1: 1 of 1,602,652 alleles (0.000062%); highest among the groups gnomAD compares: Non-Finnish European, 0.000086%; no homozygotes.

Submission:

Labcorp Genetics (formerly Invitae), Labcorp
Classification: Uncertain significance for Nemaline myopathy 7. Last evaluated: 2022-07-27. Review status: criteria provided, single submitter. Criteria: Invitae Variant Classification Sherloc (09022015). Collection method: clinical testing. Allele origin: germline.
Comment: In summary, the available evidence is currently insufficient to determine the role of this variant in disease. Therefore, it has been classified as a Variant of Uncertain Significance. Algorithms developed to predict the effect of missense changes on protein structure and function are either unavailable or do not agree on the potential impact of this missense change (SIFT: "Deleterious"; PolyPhen-2: "Benign"; Align-GVGD: "Class C25"). This variant has not been reported in the literature in individuals affected with CFL2-related conditions. This variant is not present in population databases (gnomAD no frequency). This sequence change replaces valine, which is neutral and non-polar, with isoleucine, which is neutral and non-polar, at codon 157 of the CFL2 protein (p.Val157Ile).